The following is an entry in ClinVar:

NM_004370.6(COL12A1):c.2714G>T (p.Arg905Leu)

Gene: COL12A1 (collagen type XII alpha 1 chain; minus strand). Cytogenetic location: 6q13.
Variant type: single nucleotide variant.
Coding change: c.2714G>T on transcript NM_004370.6 (MANE Select); coding-DNA position 2714, G replaced by T.
Protein change: p.Arg905Leu; replaces arginine 905 with leucine.
Molecular consequence: missense variant. On other transcripts: intron variant (2).
Genome position (GRCh38, 1-based): chr6:75,165,776, C>A on the plus strand (G>T on the coding strand, the complement: COL12A1 is on the minus strand). VCF-style: chr6-75165776-C-A. GRCh37 (hg19) VCF-style: chr6-75875492-C-A.
Other names: c.2714G>T, p.Arg905Leu (NM_001424113.1, NM_001424114.1); c.2441G>T, p.Arg814Leu (NM_001424115.1); c.74-13294G>T (NM_001424116.1, NM_080645.3); short protein forms R814L, R905L.
Identifiers: ClinVar variation 3752215 (VCV003752215.2).
Genomic context (GRCh38, chr6:75,165,776, plus strand): 5'-CAATAAGCCCCAATTGATGTGTCAGTGATGTCTTTAGTAACTAAATCTTGAGGAGAACCA[C>A]GTTCTAGAACAGAAATTAAAAGGGAATCTTTTTTAAAAATGTCTAGTAGGTATTTAAGTA-3'
Protein context (NP_004361.3, residues 895-915): LFGEGTTLEE[Arg905Leu]GSPQDLVTKD

ClinVar aggregate classification (germline): Uncertain significance (1 of 4 stars; one submission).

Conditions:
Ullrich congenital muscular dystrophy 2 (UCMD2). Identifiers: Orphanet 75840, MedGen C4225314, MONDO:0014654, OMIM 616470.
Bethlem myopathy 2 (BTHLM2). Identifiers: Orphanet 536516, Orphanet 610, MedGen C4225313, MONDO:0034022, OMIM 616471.

gnomAD v4.1: 2 of 1,610,472 alleles (0.00012%); highest among the groups gnomAD compares: Admixed American, 0.0017%; no homozygotes.

Submission:

Labcorp Genetics (formerly Invitae), Labcorp
Classification: Uncertain significance for Bethlem myopathy 2; Ullrich congenital muscular dystrophy 2. Last evaluated: 2024-12-10. Review status: criteria provided, single submitter. Criteria: Invitae Variant Classification Sherloc (09022015). Collection method: clinical testing. Allele origin: germline.
Comment: This sequence change replaces arginine, which is basic and polar, with leucine, which is neutral and non-polar, at codon 905 of the COL12A1 protein (p.Arg905Leu). This variant is not present in population databases (gnomAD no frequency). This variant has not been reported in the literature in individuals affected with COL12A1-related conditions. Invitae Evidence Modeling of protein sequence and biophysical properties (such as structural, functional, and spatial information, amino acid conservation, physicochemical variation, residue mobility, and thermodynamic stability) indicates that this missense variant is not expected to disrupt COL12A1 protein function with a negative predictive value of 80%. In summary, the available evidence is currently insufficient to determine the role of this variant in disease. Therefore, it has been classified as a Variant of Uncertain Significance.